The following is an entry in ClinVar:

NM_000260.4(MYO7A):c.2431C>T (p.Arg811Cys)

Gene: MYO7A (myosin VIIA; plus strand). Cytogenetic location: 11q13.5.
Variant type: single nucleotide variant.
Coding change: c.2431C>T on transcript NM_000260.4 (MANE Select); coding-DNA position 2431, C replaced by T.
Protein change: p.Arg811Cys; replaces arginine 811 with cysteine.
Molecular consequence: missense variant.
Genome position (GRCh38, 1-based): chr11:77,179,798, C>T. VCF-style: chr11-77179798-C-T. GRCh37 (hg19) VCF-style: chr11-76890844-C-T.
Other names: c.2431C>T, p.Arg811Cys (NM_001127180.2); c.2398C>T, p.Arg800Cys (NM_001369365.1); short protein forms R800C, R811C.
Identifiers: ClinVar variation 1052102 (VCV001052102.14), dbSNP rs782276809, ClinGen allele CA6197842.

ClinVar aggregate classification (germline): Uncertain significance. Review status: criteria provided, multiple submitters, no conflicts (2 of 4 stars). 7 submissions from 7 submitters: Uncertain significance (6). 1 of the submissions does not count toward it. Last evaluated 2026-05-27.

Conditions:
Inborn genetic diseases. Identifiers: MedGen C0950123, MeSH D030342.
Usher syndrome type 1 (USH1). Also called: RETINITIS PIGMENTOSA AND CONGENITAL DEAFNESS. Identifiers: Orphanet 231169, Orphanet 886, MedGen C1568247, MONDO:0010168, OMIM 276900.
Autosomal recessive nonsyndromic hearing loss 2. Also called: DEAFNESS, AUTOSOMAL RECESSIVE 2; NEUROSENSORY NONSYNDROMIC RECESSIVE DEAFNESS 2. Identifiers: Orphanet 90636, MedGen C1838701, MONDO:0010807, OMIM 600060.
Autosomal dominant nonsyndromic hearing loss 11. Identifiers: Orphanet 90635, MedGen C1832475, MONDO:0011032, OMIM 601317.
MYO7A-related disorder. Also called: MYO7A-related disorders.
Usher syndrome type 1B (USH1B). Also called: Usher syndrome type IB. Identifiers: MedGen C1848638, MONDO:0700087.

Allele frequency attached by ClinVar (database versions not stated): TOPMed 0.00005; gnomAD exomes 0.00007 and 0.00008; gnomAD 0.00008 and 0.00009; ExAC 0.00014.
gnomAD v4.1: 125 of 1,548,696 alleles (0.0081%); highest among the groups gnomAD compares: Non-Finnish European, 0.0097%; no homozygotes.

Submissions (7):

PreventionGenetics, part of Exact Sciences
Classification: Uncertain significance for MYO7A-related condition. Last evaluated: 2026-05-27. Review status: criteria provided, single submitter. Criteria: ACMG Guidelines, 2015. Collection method: clinical testing. Allele origin: germline.
Comment: The MYO7A c.2431C>T variant is predicted to result in the amino acid substitution p.Arg811Cys. To our knowledge, this variant has not been reported in the literature. This variant is reported in 0.014% of alleles in individuals of European (Non-Finnish) descent in gnomAD. At this time, the clinical significance of this variant is uncertain due to the absence of conclusive functional and genetic evidence.

Labcorp Genetics (formerly Invitae), Labcorp
Classification: Uncertain significance. Last evaluated: 2025-12-15. Review status: criteria provided, single submitter. Criteria: Invitae Variant Classification Sherloc (09022015). Collection method: clinical testing. Allele origin: germline.
Comment: This sequence change replaces arginine, which is basic and polar, with cysteine, which is neutral and slightly polar, at codon 811 of the MYO7A protein (p.Arg811Cys). This variant is present in population databases (rs782276809, gnomAD 0.02%). This variant has not been reported in the literature in individuals affected with MYO7A-related conditions. ClinVar contains an entry for this variant (Variation ID: 1052102). Invitae Evidence Modeling of protein sequence and biophysical properties (such as structural, functional, and spatial information, amino acid conservation, physicochemical variation, residue mobility, and thermodynamic stability) indicates that this missense variant is not expected to disrupt MYO7A protein function with a negative predictive value of 95%. In summary, the available evidence is currently insufficient to determine the role of this variant in disease. Therefore, it has been classified as a Variant of Uncertain Significance.

Ambry Genetics
Classification: Uncertain significance for Inborn genetic diseases. Last evaluated: 2025-06-18. Review status: criteria provided, single submitter. Criteria: Ambry Variant Classification Scheme 2023. Collection method: clinical testing. Allele origin: germline.

Blueprint Genetics
Classification: Uncertain significance. Last evaluated: 2023-10-11. Review status: criteria provided, single submitter. Criteria: ACMG Guidelines, 2015. Collection method: clinical testing. Allele origin: germline.

Fulgent Genetics
Classification: Uncertain significance for Usher syndrome type 1; Autosomal recessive nonsyndromic hearing loss 2; Autosomal dominant nonsyndromic hearing loss 11. Last evaluated: 2021-12-14. Review status: criteria provided, single submitter. Criteria: ACMG Guidelines, 2015. Collection method: clinical testing. Allele origin: unknown.

GeneDx
Classification: Uncertain significance. Last evaluated: 2020-07-15. Review status: criteria provided, single submitter. Criteria: GeneDx Variant Classification Process June 2021. Collection method: clinical testing. Allele origin: germline. Affected: yes.
Comment: In silico analysis supports that this missense variant has a deleterious effect on protein structure/function; Has not been previously published as pathogenic or benign to our knowledge

Natera, Inc.
Classification: Uncertain significance for Usher syndrome type 1B. Last evaluated: 2020-01-24. Review status: no assertion criteria provided. Collection method: clinical testing. Allele origin: germline. Not counted in ClinVar's aggregate classification.